The following is an entry in ClinVar:

NM_002608.4(PDGFB):c.457-2A>G

Gene: PDGFB (platelet derived growth factor subunit B; minus strand). Cytogenetic location: 22q13.1.
Variant type: single nucleotide variant.
Coding change: c.457-2A>G on transcript NM_002608.4 (MANE Select); the canonical splice acceptor site of the intron before coding-DNA position 457, A replaced by G.
Molecular consequence: splice acceptor variant.
Genome position (GRCh38, 1-based): chr22:39,230,230, T>C on the plus strand (A>G on the coding strand, the complement: PDGFB is on the minus strand). VCF-style: chr22-39230230-T-C. GRCh37 (hg19) VCF-style: chr22-39626235-T-C.
Other names: c.412-2A>G (NM_033016.3).
Identifiers: ClinVar variation 1320974 (VCV001320974.2), dbSNP rs2146436807, ClinGen allele CA411600167.

ClinVar aggregate classification (germline): Pathogenic (1 of 4 stars; one submission).

Submission:

GeneDx
Classification: Pathogenic. Last evaluated: 2021-07-20. Review status: criteria provided, single submitter. Criteria: GeneDx Variant Classification Process June 2021. Collection method: clinical testing. Allele origin: germline. Affected: yes.
Comment: Canonical splice site variant predicted to result in a null allele in a gene for which loss-of-function is a known mechanism of disease; Not observed at significant frequency in large population cohorts (Lek et al., 2016); Has not been previously published as pathogenic or benign to our knowledge; This variant is associated with the following publications: (PMID: 27535533)